The following is an entry in ClinVar:

NM_004999.4(MYO6):c.247A>G (p.Lys83Glu)

Gene: MYO6 (myosin VI; plus strand). Cytogenetic location: 6q14.1.
Variant type: single nucleotide variant.
Coding change: c.247A>G on transcript NM_004999.4 (MANE Select); coding-DNA position 247, A replaced by G.
Protein change: p.Lys83Glu; replaces lysine 83 with glutamic acid.
Molecular consequence: missense variant. On other transcripts: non-coding transcript variant (2).
Genome position (GRCh38, 1-based): chr6:75,828,599, A>G. VCF-style: chr6-75828599-A-G. GRCh37 (hg19) VCF-style: chr6-76538316-A-G.
Other names: c.247A>G, p.Lys83Glu (NM_001300899.2, NM_001368136.1, NM_001368137.1 and 5 more transcripts); short protein forms K83E.
Identifiers: ClinVar variation 3363520 (VCV003363520.1).
Genomic context (GRCh38, chr6:75,828,599, plus strand): 5'-GGTTCACTAATGTATTTAAATGAAGCCACACTGCTCCATAATATCAAAGTTCGATATAGT[A>G]AAGACAGAATTTATGTAAGTATTTTACCTGTAGTGTAAGTTTTTGTGGAGATAATTATTT-3'
Protein context (NP_004990.3, residues 73-93): LLHNIKVRYS[Lys83Glu]DRIYTYVANI

ClinVar aggregate classification (germline): Uncertain significance (1 of 4 stars; one submission).

gnomAD v4.1: 4 of 1,574,042 alleles (0.00025%); highest among the groups gnomAD compares: South Asian, 0.0044%; no homozygotes.

Submission:

GeneDx
Classification: Uncertain significance. Last evaluated: 2023-10-26. Review status: criteria provided, single submitter. Criteria: GeneDx Variant Classification Process June 2021. Collection method: clinical testing. Allele origin: germline. Affected: yes.
Comment: In silico analysis supports that this missense variant has a deleterious effect on protein structure/function; Has not been previously published as pathogenic or benign to our knowledge